The following is an entry in ClinVar:

ClinVar aggregate classification (germline): Uncertain significance (1 of 4 stars; one submission).

Submission:

Labcorp Genetics (formerly Invitae), Labcorp
Classification: Uncertain significance. Last evaluated: 2022-09-07. Review status: criteria provided, single submitter. Criteria: Invitae Variant Classification Sherloc (09022015). Collection method: clinical testing. Allele origin: germline.
Comment: In summary, the available evidence is currently insufficient to determine the role of this variant in disease. Therefore, it has been classified as a Variant of Uncertain Significance. Algorithms developed to predict the effect of sequence changes on RNA splicing suggest that this variant may disrupt the consensus splice site. Advanced modeling of protein sequence and biophysical properties (such as structural, functional, and spatial information, amino acid conservation, physicochemical variation, residue mobility, and thermodynamic stability) performed at Invitae indicates that this missense variant is not expected to disrupt KMT2A protein function. This variant has not been reported in the literature in individuals affected with KMT2A-related conditions. This variant is not present in population databases (gnomAD no frequency). This sequence change replaces isoleucine, which is neutral and non-polar, with lysine, which is basic and polar, at codon 1683 of the KMT2A protein (p.Ile1683Lys).

NM_001197104.2(KMT2A):c.5048T>A (p.Ile1683Lys)

Gene: KMT2A (lysine methyltransferase 2A; plus strand). Cytogenetic location: 11q23.3.
Variant type: single nucleotide variant.
Coding change: c.5048T>A on transcript NM_001197104.2 (MANE Select); coding-DNA position 5048, T replaced by A.
Protein change: p.Ile1683Lys; replaces isoleucine 1683 with lysine.
Molecular consequence: missense variant.
Genome position (GRCh38, 1-based): chr11:118,493,100, T>A. VCF-style: chr11-118493100-T-A. GRCh37 (hg19) VCF-style: chr11-118363815-T-A.
Other names: c.5138T>A, p.Ile1713Lys (NM_001412597.1); c.5039T>A, p.Ile1680Lys (NM_005933.4); short protein forms I1680K, I1683K, I1713K.
Identifiers: ClinVar variation 2096450 (VCV002096450.4), dbSNP rs2496929010, ClinGen allele CA382836747.
Genomic context (GRCh38, chr11:118,493,100, plus strand): 5'-ATCTTTCCTGGCAATAGGCTGCCAAGCCTCCAGACTTAAATCCCGAGACAGAGGAGAGTA[T>A]ACCTTCCCGCAGCTCCCCCGAAGGACCTGATCCACCAGTTCTTACTGAGGTCAGCAAACA-3'
Protein context (NP_001184033.1, residues 1673-1693): PDLNPETEES[Ile1683Lys]PSRSSPEGPD